The following is an entry in ClinVar:

NM_003070.5(SMARCA2):c.4649A>G (p.Asp1550Gly)

Gene: SMARCA2 (SWI/SNF related BAF chromatin remodeling complex subunit ATPase 2; plus strand). Cytogenetic location: 9p24.3.
Variant type: single nucleotide variant.
Coding change: c.4649A>G on transcript NM_003070.5 (MANE Select); coding-DNA position 4649, A replaced by G.
Protein change: p.Asp1550Gly; replaces aspartic acid 1550 with glycine.
Molecular consequence: missense variant.
Genome position (GRCh38, 1-based): chr9:2,191,320, A>G. VCF-style: chr9-2191320-A-G. GRCh37 (hg19) VCF-style: chr9-2191320-A-G.
Other names: c.4649A>G, p.Asp1550Gly (NM_001289396.2); c.4421A>G, p.Asp1474Gly (NM_001289397.2); c.623A>G, p.Asp208Gly (NM_001289398.2); c.707A>G, p.Asp236Gly (NM_001289399.2); c.713A>G, p.Asp238Gly (NM_001289400.2); c.4595A>G, p.Asp1532Gly (NM_139045.4); short protein forms D1550G, D238G, D1532G, D1474G, D208G, D236G.
Identifiers: ClinVar variation 5003153 (VCV005003153.1).
Genomic context (GRCh38, chr9:2,191,320, plus strand): 5'-TTTTAGCAAAATCAGTCAAGGTGAAAATTAAGCTCAATAAAAAAGATGACAAAGGCCGGG[A>G]CAAAGGGAAAGGCAAGAAAAGGCCAAATCGAGGAAAAGCCAAACCTGTAGTGAGCGATTT-3'
Protein context (NP_003061.3, residues 1540-1560): KLNKKDDKGR[Asp1550Gly]KGKGKKRPNR

ClinVar aggregate classification (germline): Uncertain significance (1 of 4 stars; one submission).

Conditions:
Blepharophimosis-impaired intellectual development syndrome. Identifiers: Orphanet 637013, MedGen C5443984, MONDO:0859139, OMIM 619293.

Submission:

OLLIN Analises Genomicas, OLLIN
Classification: Uncertain significance for Blepharophimosis-impaired intellectual development syndrome. Last evaluated: 2026-08-06. Review status: criteria provided, single submitter. Criteria: ACMG Guidelines 2015 PMID 25741868. Collection method: clinical testing. Allele origin: germline. Inheritance: Autosomal dominant inheritance.
Comment: This missense variant, located in exon 33 (of 34), is absent from gnomAD and ClinVar and has not been identified in the literature. In silico analysis predicts that this variant has a tolerated effect. This gene is constrained for missense variation. According to the currently available evidence, this variant has been classified as uncertain significance (PM2_P, PP2, BP4_M).